The following is an entry in ClinVar:

NM_001164665.2(KIAA1549):c.4441C>T (p.Arg1481Trp)

Gene: KIAA1549 (KIAA1549; minus strand). Cytogenetic location: 7q34.
Variant type: single nucleotide variant.
Coding change: c.4441C>T on transcript NM_001164665.2 (MANE Select); coding-DNA position 4441, C replaced by T.
Protein change: p.Arg1481Trp; replaces arginine 1481 with tryptophan.
Molecular consequence: missense variant.
Genome position (GRCh38, 1-based): chr7:138,871,267, G>A on the plus strand (C>T on the coding strand, the complement: KIAA1549 is on the minus strand). VCF-style: chr7-138871267-G-A. GRCh37 (hg19) VCF-style: chr7-138556013-G-A.
Other names: c.4441C>T, p.Arg1481Trp (NM_020910.3); short protein forms R1481W.
Identifiers: ClinVar variation 1042818 (VCV001042818.6), dbSNP rs776449063, ClinGen allele CA4505897.
Genomic context (GRCh38, chr7:138,871,267, plus strand): 5'-GCTGGACGGGAGGTGCCGGGATCGGCTGCATGGCGATAAGCTGGATCTTACTGGGGACCC[G>A]CCGGCTAGCCTCCGGGGGGCGGGAGATCCTGTCCACGTGCTCGAAGATGGAGGCTGATGA-3'
Protein context (NP_001158137.1, residues 1471-1491): RISRPPEASR[Arg1481Trp]VPSKIQLIAM

ClinVar aggregate classification (germline): Uncertain significance. Review status: criteria provided, multiple submitters, no conflicts (2 of 4 stars). 2 submissions from 2 submitters: Uncertain significance (2). Last evaluated 2024-12-02.

Allele frequency attached by ClinVar (database versions not stated): TOPMed 0.00014; gnomAD 0.00016; gnomAD exomes 0.00017; ExAC 0.00022.
gnomAD v4.1: 366 of 1,611,336 alleles (0.023%); highest among the groups gnomAD compares: Non-Finnish European, 0.027%; 1 homozygote.

Submissions (2):

Labcorp Genetics (formerly Invitae), Labcorp
Classification: Uncertain significance. Last evaluated: 2024-12-02. Review status: criteria provided, single submitter. Criteria: Invitae Variant Classification Sherloc (09022015). Collection method: clinical testing. Allele origin: germline.
Comment: This sequence change replaces arginine, which is basic and polar, with tryptophan, which is neutral and slightly polar, at codon 1481 of the KIAA1549 protein (p.Arg1481Trp). This variant is present in population databases (rs776449063, gnomAD 0.03%). This variant has not been reported in the literature in individuals affected with KIAA1549-related conditions. ClinVar contains an entry for this variant (Variation ID: 1042818). An algorithm developed to predict the effect of missense changes on protein structure and function (PolyPhen-2) suggests that this variant is likely to be disruptive. In summary, the available evidence is currently insufficient to determine the role of this variant in disease. Therefore, it has been classified as a Variant of Uncertain Significance.

Blueprint Genetics
Classification: Uncertain significance. Last evaluated: 2024-09-13. Review status: criteria provided, single submitter. Criteria: ACMG Guidelines, 2015. Collection method: clinical testing. Allele origin: germline.